The following is an entry in ClinVar:

ClinVar aggregate classification (germline): Benign/Likely benign. Review status: criteria provided, multiple submitters, no conflicts (2 of 4 stars). 6 submissions from 6 submitters: Benign (1); Likely benign (4). 1 of the submissions does not count toward it. Last evaluated 2026-08-01.

Conditions:
Epidermolysis bullosa, junctional 3A, intermediate. Also called: EPIDERMOLYSIS BULLOSA, JUNCTIONAL 3A, GENERALIZED INTERMEDIATE; EPIDERMOLYSIS BULLOSA, JUNCTIONAL 3A, NON-HERLITZ TYPE. Identifiers: MedGen C5676938, MONDO:0030748, OMIM 619785.
Epidermolysis bullosa, junctional 3B, severe. Also called: EPIDERMOLYSIS BULLOSA, JUNCTIONAL 3B, GENERALIZED SEVERE; EPIDERMOLYSIS BULLOSA, JUNCTIONAL 3B, HERLITZ TYPE. Identifiers: MedGen C5676939, MONDO:0030749, OMIM 619786.
Junctional epidermolysis bullosa gravis of Herlitz. Also called: Epidermolysis Bullosa Letalis; EPIDERMOLYSIS BULLOSA, JUNCTIONAL 1B, SEVERE; Herlitz-type junctional epidermolysis bullosa; EPIDERMOLYSIS BULLOSA JUNCTIONALIS, HERLITZ TYPE; EPIDERMOLYSIS BULLOSA, JUNCTIONAL, HERLITZ-PEARSON TYPE; JEB-HERLITZ TYPE. Identifiers: Orphanet 79404, MedGen C0079683, MONDO:0009182, OMIM 226700.
Junctional epidermolysis bullosa. Identifiers: Orphanet 305, MedGen C0079301, MONDO:0017612.
LAMC2-related disorder. Also called: LAMC2-related condition.

Allele frequency attached by ClinVar (database versions not stated): 1000 Genomes Project 30x 0.00172; 1000 Genomes Project 0.00200; ESP Exome Variant Server 0.00369; TOPMed 0.00424.
gnomAD v4.1: 9,080 of 1,614,086 alleles (0.56%); highest among the groups gnomAD compares: Non-Finnish European, 0.69%; 40 homozygotes.

Submissions (6):

CeGaT Center for Human Genetics Tuebingen
Classification: Likely benign. Last evaluated: 2026-08-01. Review status: criteria provided, single submitter. Criteria: CeGaT Center For Human Genetics Tuebingen Variant Classification Criteria Version 2. Collection method: clinical testing. Allele origin: germline. Affected: yes. Observed: 7 variant alleles.
Comment: LAMC2: BP4, BS2

Labcorp Genetics (formerly Invitae), Labcorp
Classification: Benign. Last evaluated: 2026-02-04. Review status: criteria provided, single submitter. Criteria: Invitae Variant Classification Sherloc (09022015). Collection method: clinical testing. Allele origin: germline.

Blueprint Genetics
Classification: Likely benign. Last evaluated: 2024-11-19. Review status: criteria provided, single submitter. Criteria: ACMG Guidelines, 2015. Collection method: clinical testing. Allele origin: germline.

Department of Pathology and Laboratory Medicine, Sinai Health System
Classification: Likely benign for Junctional epidermolysis bullosa gravis of Herlitz; Epidermolysis bullosa, junctional 3A, intermediate; Epidermolysis bullosa, junctional 3B, severe. Last evaluated: 2022-08-17. Review status: criteria provided, single submitter. Criteria: ACMG Guidelines, 2015. Collection method: research. Allele origin: germline.

Illumina Laboratory Services, Illumina
Classification: Likely benign for Junctional epidermolysis bullosa. Last evaluated: 2018-01-12. Review status: criteria provided, single submitter. Criteria: ICSL Variant Classification Criteria 13 December 2019. Collection method: clinical testing. Allele origin: germline.
Comment: This variant was observed in the ICSL laboratory as part of a predisposition screen in an ostensibly healthy population. It had not been previously curated by ICSL or reported in the Human Gene Mutation Database (HGMD: prior to June 1st, 2018), and was therefore a candidate for classification through an automated scoring system. Utilizing variant allele frequency, disease prevalence and penetrance estimates, and inheritance mode, an automated score was calculated to assess if this variant is too frequent to cause the disease. Based on the score and internal cut-off values, a variant classified as likely benign is not then subjected to further curation. The score for this variant resulted in a classification of likely benign for this disease.

PreventionGenetics, part of Exact Sciences
Classification: Likely benign for LAMC2-related condition. Last evaluated: 2020-02-25. Review status: no assertion criteria provided. Collection method: clinical testing. Allele origin: germline. Not counted in ClinVar's aggregate classification.
Comment: This variant is classified as likely benign based on ACMG/AMP sequence variant interpretation guidelines (Richards et al. 2015 PMID: 25741868, with internal and published modifications).

NM_005562.3(LAMC2):c.2570G>C (p.Arg857Pro)

Gene: LAMC2 (laminin subunit gamma 2; plus strand). Cytogenetic location: 1q25.3.
Variant type: single nucleotide variant.
Coding change: c.2570G>C on transcript NM_005562.3 (MANE Select); coding-DNA position 2570, G replaced by C.
Protein change: p.Arg857Pro; replaces arginine 857 with proline.
Molecular consequence: missense variant.
Genome position (GRCh38, 1-based): chr1:183,236,573, G>C. VCF-style: chr1-183236573-G-C. GRCh37 (hg19) VCF-style: chr1-183205708-G-C.
Other names: c.2570G>C, p.Arg857Pro (NM_018891.3); short protein forms R857P.
Identifiers: ClinVar variation 294009 (VCV000294009.41), dbSNP rs144908769, ClinGen allele CA1282990.
Genomic context (GRCh38, chr1:183,236,573, plus strand): 5'-CGGAAATTGAAGCAGATAGGTCTTATCAGCACAGTCTCCGCCTCCTGGATTCAGTGTCTC[G>C]GCTTCAGGGAGTCAGTGATCAGTCCTTTCAGGTGAGGGCATCTGGCCTGTGTGCTTGATA-3'
Protein context (NP_005553.2, residues 847-867): HSLRLLDSVS[Arg857Pro]LQGVSDQSFQ